The following is an entry in ClinVar:

NM_001166114.2(PNPLA6):c.795+8A>G

Gene: PNPLA6 (patatin like domain 6, lysophospholipase; plus strand). Cytogenetic location: 19p13.2.
Variant type: single nucleotide variant.
Coding change: c.795+8A>G on transcript NM_001166114.2 (MANE Select); 8 bases into the intron after coding-DNA position 795, A replaced by G.
Molecular consequence: intron variant.
Genome position (GRCh38, 1-based): chr19:7,540,718, A>G. VCF-style: chr19-7540718-A-G. GRCh37 (hg19) VCF-style: chr19-7605604-A-G.
Other names: c.678+8A>G (NM_006702.5, NM_001166112.2, NM_001166113.1); c.822+8A>G (NM_001166111.2).
Identifiers: ClinVar variation 2684307 (VCV002684307.1), dbSNP rs1293030452, ClinGen allele CA631463001.

ClinVar aggregate classification (germline): Uncertain significance (1 of 4 stars; one submission).

Allele frequency attached by ClinVar (database versions not stated): TOPMed below 0.00001; gnomAD exomes 0.00001.
gnomAD v4.1: 9 of 1,610,992 alleles (0.00056%); highest among the groups gnomAD compares: Non-Finnish European, 0.00076%; no homozygotes.

Submission:

Athena Diagnostics
Classification: Uncertain significance. Last evaluated: 2023-09-19. Review status: criteria provided, single submitter. Criteria: Athena Diagnostics Criteria. Collection method: clinical testing. Allele origin: unknown.
Comment: Available data are insufficient to determine the clinical significance of the variant at this time. The frequency of this variant in the general population is uninformative in assessment of its pathogenicity. Computational tools yielded predictions that this variant is unlikely to have an effect on normal RNA splicing.